The following is an entry in ClinVar:

ClinVar aggregate classification (germline): Uncertain significance (1 of 4 stars; one submission).

Submission:

Dasa
Classification: Uncertain significance. Last evaluated: 2026-04-10. Review status: criteria provided, single submitter. Criteria: DASA Assertion Criteria. Collection method: clinical testing. Allele origin: germline.
Comment: NM_000092.5(COL4A4):c.2633C>G (p.Pro878Arg) is a missense variant that results in the substitution of proline with arginine. This variant is rare in population databases. The currently available literature and clinical evidence are not sufficient to establish a definitive association between this variant and the reported condition. Therefore, this variant is classified as a variant of uncertain significance.

NM_000092.5(COL4A4):c.2633C>G (p.Pro878Arg)

Gene: COL4A4 (collagen type IV alpha 4 chain; minus strand). Cytogenetic location: 2q36.3.
Variant type: single nucleotide variant.
Coding change: c.2633C>G on transcript NM_000092.5 (MANE Select); coding-DNA position 2633, C replaced by G.
Protein change: p.Pro878Arg; replaces proline 878 with arginine.
Molecular consequence: missense variant.
Genome position (GRCh38, 1-based): chr2:227,056,028, G>C on the plus strand (C>G on the coding strand, the complement: COL4A4 is on the minus strand). VCF-style: chr2-227056028-G-C. GRCh37 (hg19) VCF-style: chr2-227920744-G-C.
Other names: short protein forms P878R.
Identifiers: ClinVar variation 4881888 (VCV004881888.2).